The following is an entry in ClinVar:

NM_201253.3(CRB1):c.2748C>T (p.Leu916=)

Gene: CRB1 (crumbs cell polarity complex component 1; plus strand). Cytogenetic location: 1q31.3.
Variant type: single nucleotide variant.
Coding change: c.2748C>T on transcript NM_201253.3 (MANE Select); coding-DNA position 2748, C replaced by T.
Protein change: p.Leu916=; no amino-acid change (leucine 916 retained).
Molecular consequence: synonymous variant. On other transcripts: non-coding transcript variant (2), intron variant (1).
Genome position (GRCh38, 1-based): chr1:197,429,520, C>T. VCF-style: chr1-197429520-C-T. GRCh37 (hg19) VCF-style: chr1-197398650-C-T.
Other names: c.2412C>T, p.Leu804= (NM_001193640.2); c.2676C>T, p.Leu892= (NM_001257965.2); c.2129-6080C>T (NM_001257966.2); c.2748C>T (NM_201253.2).
Identifiers: ClinVar variation 1564086 (VCV001564086.9), dbSNP rs1664770624, ClinGen allele CA422672294.

ClinVar aggregate classification (germline): Likely benign. Review status: criteria provided, multiple submitters, no conflicts (2 of 4 stars). 2 submissions from 2 submitters: Likely benign (2). Last evaluated 2025-02-10.

Conditions:
CRB1-related disorder. Also called: CRB1-related condition; CRB1-related disorders.
Leber congenital amaurosis 8 (LCA8). Identifiers: Orphanet 65, MedGen C3151202, MONDO:0013453, OMIM 613835.
Retinitis pigmentosa 12 (RP12). Also called: RP WITH OR WITHOUT PPRPE; RP WITH OR WITHOUT PRESERVED PARAARTERIOLE RETINAL PIGMENT EPITHELIUM; RETINITIS PIGMENTOSA WITH OR WITHOUT PARAARTERIOLAR PRESERVATION OF RETINAL PIGMENT EPITHELIUM. Identifiers: Orphanet 791, MedGen C1838647, MONDO:0010818, OMIM 600105.

Allele frequency attached by ClinVar (database versions not stated): TOPMed below 0.00001; gnomAD exomes 0.00001.
gnomAD v4.1: 15 of 1,614,022 alleles (0.00093%); highest among the groups gnomAD compares: Non-Finnish European, 0.0012%; no homozygotes.

Submissions (2):

PreventionGenetics, part of Exact Sciences
Classification: Likely benign for CRB1-related condition. Last evaluated: 2025-02-10. Review status: criteria provided, single submitter. Criteria: ACMG Guidelines, 2015. Collection method: clinical testing. Allele origin: germline.
Comment: This variant is classified as likely benign based on ACMG/AMP sequence variant interpretation guidelines (Richards et al. 2015 PMID: 25741868, with internal and published modifications).

Labcorp Genetics (formerly Invitae), Labcorp
Classification: Likely benign for Leber congenital amaurosis 8; Retinitis pigmentosa 12. Last evaluated: 2022-11-10. Review status: criteria provided, single submitter. Criteria: Invitae Variant Classification Sherloc (09022015). Collection method: clinical testing. Allele origin: germline.